The following is an entry in ClinVar:

ClinVar aggregate classification (germline): Pathogenic (1 of 4 stars; one submission).

Submission:

GeneDx
Classification: Pathogenic. Last evaluated: 2018-11-14. Review status: criteria provided, single submitter. Criteria: GeneDx Variant Classification (06012015). Collection method: clinical testing. Allele origin: germline. Affected: yes.
Comment: The c.907_908insCC pathogenic variant in the CDKL5 gene causes a frameshift starting with codon Leucine 303, changes this amino acid to a Proline residue and creates a premature Stop codon at position 48 of the new reading frame, denoted p.Leu303ProfsX48. This pathogenic variant is predicted to cause loss of normal protein function either through protein truncation or nonsense-mediated mRNA decay. The c.907_908insCC variant is not observed in large population cohorts (Lek et al., 2016). This variant is considered a pathogenic variant.

NM_001323289.2(CDKL5):c.907_908insCC (p.Leu303fs)

Gene: CDKL5 (cyclin dependent kinase like 5; plus strand). Cytogenetic location: Xp22.13.
Variant type: Insertion.
Coding change: c.907_908insCC on transcript NM_001323289.2 (MANE Select); coding-DNA positions 907 to 908, CC inserted.
Protein change: p.Leu303fs; shifts the reading frame from leucine 303.
Molecular consequence: frameshift variant.
Genome position: GRCh38 VCF-style: chrX-18598542-T-TCC. GRCh37 (hg19) VCF-style: chrX-18616662-T-TCC.
Other names: c.907_908insCC, p.Leu303fs (NM_001037343.2, NM_003159.3); short protein forms L303fs.
Identifiers: ClinVar variation 817286 (VCV000817286.1), dbSNP rs1602282705, ClinGen allele CA915950765.